The following is an entry in ClinVar:

ClinVar aggregate classification (germline): Uncertain significance. Review status: criteria provided, multiple submitters, no conflicts (2 of 4 stars). 2 submissions from 2 submitters: Uncertain significance (2). Last evaluated 2025-09-23.

Conditions:
Neurofibromatosis, type 2 (SWNV). Also called: SCHWANNOMATOSIS, VESTIBULAR; BILATERAL ACOUSTIC NEUROFIBROMATOSIS; NF2-Related Schwannomatosis. Identifiers: Orphanet 637, MedGen C0027832, MONDO:0007039, OMIM 101000. Disease mechanism: loss of function.
Hereditary cancer-predisposing syndrome. Also called: Tumor predisposition; Hereditary Cancer Syndrome; Hereditary neoplastic syndrome; Neoplastic Syndromes, Hereditary. Identifiers: Orphanet 140162, MedGen C0027672, MeSH D009386, MONDO:0015356.

gnomAD v4.1: 7 of 1,603,202 alleles (0.00044%); highest among the groups gnomAD compares: Non-Finnish European, 0.0006%; no homozygotes.

Submissions (2):

Labcorp Genetics (formerly Invitae), Labcorp
Classification: Uncertain significance for Neurofibromatosis, type 2. Last evaluated: 2025-09-23. Review status: criteria provided, single submitter. Criteria: Invitae Variant Classification Sherloc (09022015). Collection method: clinical testing. Allele origin: germline.
Comment: This sequence change falls in intron 12 of the NF2 gene. It does not directly change the encoded amino acid sequence of the NF2 protein. It affects a nucleotide within the consensus splice site. This variant is not present in population databases (gnomAD no frequency). This variant has not been reported in the literature in individuals affected with NF2-related conditions. ClinVar contains an entry for this variant (Variation ID: 2415056). Variants that disrupt the consensus splice site are a relatively common cause of aberrant splicing (PMID: 17576681, 9536098). Algorithms developed to predict the effect of sequence changes on RNA splicing suggest that this variant may disrupt the consensus splice site. In summary, the available evidence is currently insufficient to determine the role of this variant in disease. Therefore, it has been classified as a Variant of Uncertain Significance.

Ambry Genetics
Classification: Uncertain significance for Hereditary cancer-predisposing syndrome. Last evaluated: 2025-07-07. Review status: criteria provided, single submitter. Criteria: Ambry Variant Classification Scheme 2023. Collection method: clinical testing. Allele origin: germline.
Comment: The c.1340+5G>C intronic variant results from a G to C substitution 5 nucleotides after coding exon 12 in the NF2 gene. This nucleotide position is well conserved in available vertebrate species. In silico splice site analysis predicts that this alteration may result in the creation or strengthening of a novel splice donor site. Based on the available evidence, the clinical significance of this variant remains unclear.

Literature cited by the submitters: PubMed 17576681 (cited by Labcorp Genetics (formerly Invitae), Labcorp); PubMed 9536098 (cited by Labcorp Genetics (formerly Invitae), Labcorp).

NM_000268.4(NF2):c.1340+5G>C

Gene: NF2 (NF2, moesin-ezrin-radixin like (MERLIN) tumor suppressor; plus strand). Cytogenetic location: 22q12.2.
Variant type: single nucleotide variant.
Coding change: c.1340+5G>C on transcript NM_000268.4 (MANE Select); 5 bases into the intron after coding-DNA position 1340, G replaced by C.
Molecular consequence: intron variant.
Genome position (GRCh38, 1-based): chr22:29,673,491, G>C. VCF-style: chr22-29673491-G-C. GRCh37 (hg19) VCF-style: chr22-30069480-G-C.
Other names: c.1340+5G>C (NM_016418.5, NM_181832.3, NM_181825.3 and 1 more transcripts); c.448-21261G>C (NM_181833.3); c.1217+5G>C (NM_181829.3); c.1214+5G>C (NM_181828.3); c.1091+5G>C (NM_181830.3, NM_181831.3).
Identifiers: ClinVar variation 2415056 (VCV002415056.11), dbSNP rs376212891, ClinGen allele CA2580099444.